The following is an entry in ClinVar:

NM_001034853.2(RPGR):c.2840_2841insAGGGGAGGATGGAGAAGGGG (p.Glu950fs)

Gene: RPGR (retinitis pigmentosa GTPase regulator; minus strand). Cytogenetic location: Xp11.4.
Variant type: Insertion.
Coding change: c.2840_2841insAGGGGAGGATGGAGAAGGGG on transcript NM_001034853.2 (MANE Select); coding-DNA positions 2840 to 2841, AGGGGAGGATGGAGAAGGGG inserted.
Protein change: p.Glu950fs; shifts the reading frame from glutamic acid 950.
Molecular consequence: frameshift variant. On other transcripts: intron variant (8).
Genome position: GRCh38 VCF-style: chrX-38286158-C-CCCCCTTCTCCATCCTCCCCT. GRCh37 (hg19) VCF-style: chrX-38145411-C-CCCCCTTCTCCATCCTCCCCT.
Other names: c.1569+4800_1569+4801insAGGGGAGGATGGAGAAGGGG (NM_001367249.1, NM_001367250.1); c.1902+935_1902+936insAGGGGAGGATGGAGAAGGGG (NM_001367245.1); c.1386+4800_1386+4801insAGGGGAGGATGGAGAAGGGG (NM_001367251.1); c.1719+935_1719+936insAGGGGAGGATGGAGAAGGGG (NM_001367246.1); c.1572+4800_1572+4801insAGGGGAGGATGGAGAAGGGG (NM_001367247.1); c.1905+935_1905+936insAGGGGAGGATGGAGAAGGGG (NM_000328.3); c.1602+4800_1602+4801insAGGGGAGGATGGAGAAGGGG (NM_001367248.1); short protein forms E950fs.
Identifiers: ClinVar variation 1994264 (VCV001994264.4), dbSNP rs2519786220, ClinGen allele CA2580100845.

ClinVar aggregate classification (germline): Pathogenic (1 of 4 stars; one submission).

Conditions:
Primary ciliary dyskinesia. Also called: Ciliary dyskinesia. Identifiers: Orphanet 244, MedGen C0008780, MONDO:0016575, HP:0012265.

Submission:

Labcorp Genetics (formerly Invitae), Labcorp
Classification: Pathogenic for Primary ciliary dyskinesia. Last evaluated: 2022-01-26. Review status: criteria provided, single submitter. Criteria: Invitae Variant Classification Sherloc (09022015). Collection method: clinical testing. Allele origin: germline.
Comment: The frequency data for this variant in the population databases is considered unreliable, as metrics indicate insufficient coverage at this position in the gnomAD database. This sequence change creates a premature translational stop signal (p.Glu950Aspfs*146) in the RPGR (ORF15) gene. While this is not anticipated to result in nonsense mediated decay, it is expected to disrupt the last 203 amino acid(s) of the RPGR (ORF15) protein. For these reasons, this variant has been classified as Pathogenic. This variant disrupts a region of the RPGR (ORF15) protein in which other variant(s) (p.Leu1130Lysfs*13) have been determined to be pathogenic (PMID: 22264887; Invitae). This suggests that this is a clinically significant region of the protein, and that variants that disrupt it are likely to be disease-causing. This variant has not been reported in the literature in individuals affected with RPGR (ORF15)-related conditions.

Literature cited by the submitters: PubMed 22264887.